The following is an entry in ClinVar:

NM_145868.2(ANXA11):c.854T>C (p.Ile285Thr)

Gene: ANXA11 (annexin A11; minus strand). Cytogenetic location: 10q22.3.
Variant type: single nucleotide variant.
Coding change: c.854T>C on transcript NM_145868.2 (MANE Select); coding-DNA position 854, T replaced by C.
Protein change: p.Ile285Thr; replaces isoleucine 285 with threonine.
Molecular consequence: missense variant.
Genome position (GRCh38, 1-based): chr10:80,166,088, A>G on the plus strand (T>C on the coding strand, the complement: ANXA11 is on the minus strand). VCF-style: chr10-80166088-A-G. GRCh37 (hg19) VCF-style: chr10-81925844-A-G.
Other names: c.854T>C, p.Ile285Thr (NM_001157.3, NM_001278407.2, NM_001278408.2 and 1 more transcripts); c.755T>C, p.Ile252Thr (NM_001278409.2); short protein forms I252T, I285T.
Identifiers: ClinVar variation 2174613 (VCV002174613.4), dbSNP rs1845723453, ClinGen allele CA377366664.

ClinVar aggregate classification (germline): Uncertain significance (1 of 4 stars; one submission).

Allele frequency attached by ClinVar (database versions not stated): gnomAD exomes below 0.00001; TOPMed 0.00001.
gnomAD v4.1: 1 of 1,577,662 alleles (0.000063%); highest among the groups gnomAD compares: Admixed American, 0.0017%; no homozygotes.

Submission:

Labcorp Genetics (formerly Invitae), Labcorp
Classification: Uncertain significance. Last evaluated: 2022-09-08. Review status: criteria provided, single submitter. Criteria: Invitae Variant Classification Sherloc (09022015). Collection method: clinical testing. Allele origin: germline.
Comment: In summary, the available evidence is currently insufficient to determine the role of this variant in disease. Therefore, it has been classified as a Variant of Uncertain Significance. Algorithms developed to predict the effect of missense changes on protein structure and function are either unavailable or do not agree on the potential impact of this missense change (SIFT: "Deleterious"; PolyPhen-2: "Probably Damaging"; Align-GVGD: "Class C0"). This variant has not been reported in the literature in individuals affected with ANXA11-related conditions. This variant is not present in population databases (gnomAD no frequency). This sequence change replaces isoleucine, which is neutral and non-polar, with threonine, which is neutral and polar, at codon 285 of the ANXA11 protein (p.Ile285Thr).